The following is an entry in ClinVar:

ClinVar aggregate classification (germline): Uncertain significance (1 of 4 stars; one submission).

Submission:

Clinical Genomics Laboratory, Washington University in St. Louis
Classification: Uncertain significance. Last evaluated: 2023-07-26. Review status: criteria provided, single submitter. Criteria: ACMG Guidelines, 2015. Collection method: clinical testing. Allele origin: germline.
Comment: The EEF1A1 c.93C>G (p.Cys31Trp) variant, to our knowledge, has not been reported in the medical literature and is absent from the general population (gnomAD v.2.1.1), indicating it is not a common variant. The amino acid at this position occurs in domain I, where GDP/GTP binding occurs, at the end of an alpha helix and the variant replaces the polar cysteine with the nonpolar tryptophan (AlphaFold; Mills A and Gago F, PMID: 34203525). Computational predictors are uncertain as to the impact of this variant on EEF1A1 function. Due to limited information, the clinical significance of this variant is uncertain.

NM_001402.6(EEF1A1):c.93C>G (p.Cys31Trp)

Gene: EEF1A1 (eukaryotic translation elongation factor 1 alpha 1; minus strand). Cytogenetic location: 6q13.
Variant type: single nucleotide variant.
Coding change: c.93C>G on transcript NM_001402.6 (MANE Select); coding-DNA position 93, C replaced by G.
Protein change: p.Cys31Trp; replaces cysteine 31 with tryptophan.
Molecular consequence: missense variant.
Genome position (GRCh38, 1-based): chr6:73,519,934, G>C on the plus strand (C>G on the coding strand, the complement: EEF1A1 is on the minus strand). VCF-style: chr6-73519934-G-C. GRCh37 (hg19) VCF-style: chr6-74229657-G-C.
Other names: short protein forms C31W.
Identifiers: ClinVar variation 2672187 (VCV002672187.1), dbSNP rs778266425, ClinGen allele CA364710138.